The following is an entry in ClinVar:

ClinVar aggregate classification (germline): Conflicting classifications of pathogenicity. Review status: criteria provided, conflicting classifications (1 of 4 stars). 8 submissions from 8 submitters: Uncertain significance (5); Likely benign (3). Last evaluated 2026-03-05.

Conditions:
TTN-related disorder. Also called: TTN-related condition; TTN-related disease; TTN-related disorders.
Dilated cardiomyopathy 1G (CMD1G). Identifiers: Orphanet 154, MedGen C1858763, MONDO:0011400, OMIM 604145.
Autosomal recessive limb-girdle muscular dystrophy type 2J (LGMDR10). Also called: Limb-girdle muscular dystrophy, type 2J; MUSCULAR DYSTROPHY, LIMB-GIRDLE, AUTOSOMAL RECESSIVE 10. Identifiers: Orphanet 140922, MedGen C1837342, MONDO:0012127, OMIM 608807.
Cardiomyopathy (CMYO). Also called: Cardiomyopathies. Identifiers: Orphanet 167848, MedGen C0878544, MONDO:0004994, HP:0001638. Inheritance: Various modes of inheritance.

Allele frequency attached by ClinVar (database versions not stated): TOPMed 0.00001; gnomAD 0.00004 and 0.00006; ExAC 0.00012; gnomAD exomes 0.00013; 1000 Genomes Project 0.00040; 1000 Genomes Project 30x 0.00047.
gnomAD v4.1: 77 of 1,613,820 alleles (0.0048%); highest among the groups gnomAD compares: Admixed American, 0.045%; no homozygotes.

Submissions (8):

PreventionGenetics, part of Exact Sciences
Classification: Uncertain significance for TTN-related condition. Last evaluated: 2026-03-05. Review status: criteria provided, single submitter. Criteria: ACMG Guidelines, 2015. Collection method: clinical testing. Allele origin: germline.
Comment: The TTN c.28093C>T variant is predicted to result in the amino acid substitution p.Arg9365Trp. To our knowledge, this variant has not been reported in the literature. This variant is reported in 0.046% of alleles in individuals of South Asian descent in gnomAD. At this time, the clinical significance of this variant is uncertain due to the absence of conclusive functional and genetic evidence.

Women's Health and Genetics/Laboratory Corporation of America, LabCorp
Classification: Likely benign. Last evaluated: 2026-01-16. Review status: criteria provided, single submitter. Criteria: LabCorp Variant Classification Summary - May 2015. Collection method: clinical testing. Allele origin: germline.
Comment: Variant summary: TTN c.24361C>T (p.Arg8121Trp) results in a non-conservative amino acid change located in the I-band region of the encoded protein sequence. Algorithms developed to predict the effect of missense changes on protein structure and function are either unavailable or do not agree on the potential impact of this missense change. The variant allele was found at a frequency of 0.00013 in 248770 control chromosomes, predominantly within the South Asian and Latino subpopulations (with frequencies of 0.00046 and 0.00038, respectively) in the gnomAD database. The observed variant frequency within these subpopulations in the gnomAD database exceeds the estimated maximal expected allele frequency for disease-causing variants in TTN. c.24361C>T has been observed in individual(s) affected with potentially TTN-related heart conditions, without strong evidence for causality (e.g. Campuzano_2015, Nunn_2015). These report(s) do not provide unequivocal conclusions about association of the variant with Dilated Cardiomyopathy. To our knowledge, no experimental evidence demonstrating an impact on protein function has been reported. The following publications have been ascertained in the context of this evaluation (PMID: 27930701, 26498160). ClinVar contains an entry for this variant (Variation ID: 166138). Based on the evidence outlined above, the variant was classified as likely benign.

Blueprint Genetics
Classification: Likely benign. Last evaluated: 2024-09-19. Review status: criteria provided, single submitter. Criteria: ACMG Guidelines, 2015. Collection method: clinical testing. Allele origin: germline.

GeneDx
Classification: Likely benign. Last evaluated: 2021-02-16. Review status: criteria provided, single submitter. Criteria: GeneDx Variant Classification Process June 2021. Collection method: clinical testing. Allele origin: germline. Affected: yes.

Revvity Omics, Revvity
Classification: Uncertain significance. Last evaluated: 2020-02-21. Review status: criteria provided, single submitter. Criteria: ACMG Guidelines, 2015. Collection method: clinical testing. Allele origin: germline.

Labcorp Genetics (formerly Invitae), Labcorp
Classification: Uncertain significance for Dilated cardiomyopathy 1G; Autosomal recessive limb-girdle muscular dystrophy type 2J. Last evaluated: 2017-10-16. Review status: criteria provided, single submitter. Criteria: Invitae Variant Classification Sherloc (09022015). Collection method: clinical testing. Allele origin: germline.

CHEO Genetics Diagnostic Laboratory, Children's Hospital of Eastern Ontario
Classification: Uncertain significance for Cardiomyopathy. Last evaluated: 2015-12-23. Review status: criteria provided, single submitter. Criteria: ACMG Guidelines, 2015. Collection method: clinical testing. Allele origin: germline. Study: Canadian Open Genetics Repository.

Laboratory for Molecular Medicine, Mass General Brigham Personalized Medicine
Classification: Uncertain significance. Last evaluated: 2014-07-25. Review status: criteria provided, single submitter. Criteria: LMM Criteria. Collection method: clinical testing. Allele origin: germline. Observed: 2 variant alleles.
Comment: Variant classified as Uncertain Significance - Favor Benign. The Arg8121Trp vari ant in TTN has not been previously reported in individuals with cardiomyopathy, but has been identified in 1/120 Columbian chromosomes by the 1000 Genomes Proje ct (dbSNP rs19060012). Arginine (Arg) at position 8121 is not conserved in mamma ls or evolutionarily distant species and 2 mammals (hedgehog and manatee) carry a tryptophan (Trp) at this position, the supporting that this change may be tole rated. In summary, while the clinical significance of the Arg8121Trp variant is uncertain, these data suggest that it is more likely to be benign.

Literature cited by the submitters: PubMed 26498160 (cited by Women's Health and Genetics/Laboratory Corporation of America, LabCorp); PubMed 27930701 (cited by Women's Health and Genetics/Laboratory Corporation of America, LabCorp).

NM_001267550.2(TTN):c.28093C>T (p.Arg9365Trp)

Gene: TTN (titin; minus strand). Cytogenetic location: 2q31.2.
Variant type: single nucleotide variant.
Coding change: c.28093C>T on transcript NM_001267550.2 (MANE Select); coding-DNA position 28093, C replaced by T.
Protein change: p.Arg9365Trp; replaces arginine 9365 with tryptophan.
Molecular consequence: missense variant. On other transcripts: intron variant (3).
Genome position (GRCh38, 1-based): chr2:178,711,143, G>A on the plus strand (C>T on the coding strand, the complement: TTN is on the minus strand). VCF-style: chr2-178711143-G-A. GRCh37 (hg19) VCF-style: chr2-179575870-G-A.
Other names: c.13282+26939C>T (NM_003319.4); c.13858+26939C>T (NM_133437.4); c.13657+26939C>T (NM_133432.3); c.28093C>T (NM_001267550.1); c.27142C>T, p.Arg9048Trp (NM_001256850.1); c.24361C>T, p.Arg8121Trp (NM_133378.4); short protein forms R8121W, R9365W, R9048W.
Identifiers: ClinVar variation 166138 (VCV000166138.16), dbSNP rs190600127, ClinGen allele CA178940.